The following is an entry in ClinVar:

NM_020800.3(IFT80):c.1152-1G>C

Genes: IFT80 (intraflagellar transport 80; minus strand), TRIM59-IFT80 (TRIM59-IFT80 readthrough (NMD candidate); minus strand). Cytogenetic location: 3q25.33.
Variant type: single nucleotide variant.
Coding change: c.1152-1G>C on transcript NM_020800.3 (MANE Select); the canonical splice acceptor site of the intron before coding-DNA position 1152, G replaced by C.
Molecular consequence: splice acceptor variant.
Genome position (GRCh38, 1-based): chr3:160,301,047, C>G on the plus strand (G>C on the coding strand, the complement: IFT80 is on the minus strand). VCF-style: chr3-160301047-C-G. GRCh37 (hg19) VCF-style: chr3-160018835-C-G.
Other names: c.741-1G>C (NM_001190241.2, NM_001190242.2).
Identifiers: ClinVar variation 1066914 (VCV001066914.9), dbSNP rs777519235, ClinGen allele CA355193837.

ClinVar aggregate classification (germline): Likely pathogenic (1 of 4 stars; one submission).

Conditions:
Jeune thoracic dystrophy. Also called: Short-rib thoracic dysplasia; Jeune syndrome; Infantile thoracic dystrophy; Thoracic pelvic phalangeal dystrophy; Jeune's syndrome; Chondroectodermal dysplasia-like syndrome. Identifiers: Orphanet 474, MedGen C0265275, MONDO:0018770.

Submission:

Labcorp Genetics (formerly Invitae), Labcorp
Classification: Likely pathogenic for Jeune thoracic dystrophy. Last evaluated: 2023-11-20. Review status: criteria provided, single submitter. Criteria: Invitae Variant Classification Sherloc (09022015). Collection method: clinical testing. Allele origin: germline.
Comment: This sequence change affects an acceptor splice site in intron 11 of the IFT80 gene. It is expected to disrupt RNA splicing. Variants that disrupt the donor or acceptor splice site typically lead to a loss of protein function (PMID: 16199547), and loss-of-function variants in IFT80 are known to be pathogenic (PMID: 21227999, 23339108, 29068549). This variant is not present in population databases (gnomAD no frequency). This variant has not been reported in the literature in individuals affected with IFT80-related conditions. ClinVar contains an entry for this variant (Variation ID: 1066914). Algorithms developed to predict the effect of sequence changes on RNA splicing suggest that this variant may disrupt the consensus splice site. In summary, the currently available evidence indicates that the variant is pathogenic, but additional data are needed to prove that conclusively. Therefore, this variant has been classified as Likely Pathogenic.

Literature cited by the submitters: PubMed 16199547; PubMed 21227999; PubMed 23339108; PubMed 29068549.